The following is an entry in ClinVar:

NM_017849.4(TMEM127):c.677T>C (p.Val226Ala)

Gene: TMEM127 (transmembrane protein 127; minus strand). Cytogenetic location: 2q11.2.
Variant type: single nucleotide variant.
Coding change: c.677T>C on transcript NM_017849.4 (MANE Select); coding-DNA position 677, T replaced by C.
Protein change: p.Val226Ala; replaces valine 226 with alanine.
Molecular consequence: missense variant.
Genome position (GRCh38, 1-based): chr2:96,253,848, A>G on the plus strand (T>C on the coding strand, the complement: TMEM127 is on the minus strand). VCF-style: chr2-96253848-A-G. GRCh37 (hg19) VCF-style: chr2-96919586-A-G.
Other names: c.677T>C, p.Val226Ala (NM_001193304.3); c.425T>C, p.Val142Ala (NM_001407282.1, NM_001407283.1); short protein forms V226A, V142A.
Identifiers: ClinVar variation 2793263 (VCV002793263.4), dbSNP rs1684140744, ClinGen allele CA347651205.

ClinVar aggregate classification (germline): Uncertain significance. Review status: criteria provided, multiple submitters, no conflicts (2 of 4 stars). 2 submissions from 2 submitters: Uncertain significance (2). Last evaluated 2024-01-05.

Conditions:
Hereditary pheochromocytoma and paraganglioma. Also called: Hereditary Paraganglioma-Pheochromocytoma Syndromes; Hereditary pheochromocytoma-paraganglioma; Hereditary paragangliomas and pheochromocytomas. Identifiers: Orphanet 29072, MedGen C4274332, MONDO:0017366.
Hereditary cancer-predisposing syndrome. Also called: Hereditary neoplastic syndrome; Neoplastic Syndromes, Hereditary; Tumor predisposition; Hereditary Cancer Syndrome. Identifiers: Orphanet 140162, MedGen C0027672, MeSH D009386, MONDO:0015356.

Allele frequency attached by ClinVar (database versions not stated): TOPMed below 0.00001.

Submissions (2):

Labcorp Genetics (formerly Invitae), Labcorp
Classification: Uncertain significance for Hereditary pheochromocytoma and paraganglioma. Last evaluated: 2024-01-05. Review status: criteria provided, single submitter. Criteria: Invitae Variant Classification Sherloc (09022015). Collection method: clinical testing. Allele origin: germline.
Comment: This sequence change replaces valine, which is neutral and non-polar, with alanine, which is neutral and non-polar, at codon 226 of the TMEM127 protein (p.Val226Ala). This variant is not present in population databases (gnomAD no frequency). This variant has not been reported in the literature in individuals affected with TMEM127-related conditions. An algorithm developed to predict the effect of missense changes on protein structure and function (PolyPhen-2) suggests that this variant is likely to be tolerated. In summary, the available evidence is currently insufficient to determine the role of this variant in disease. Therefore, it has been classified as a Variant of Uncertain Significance.

Ambry Genetics
Classification: Uncertain significance for Hereditary cancer-predisposing syndrome. Last evaluated: 2023-11-13. Review status: criteria provided, single submitter. Criteria: Ambry Variant Classification Scheme 2023. Collection method: clinical testing. Allele origin: germline.
Comment: The p.V226A variant (also known as c.677T>C), located in coding exon 3 of the TMEM127 gene, results from a T to C substitution at nucleotide position 677. The valine at codon 226 is replaced by alanine, an amino acid with similar properties. This amino acid position is conserved. In addition, the in silico prediction for this alteration is inconclusive. Since supporting evidence is limited at this time, the clinical significance of this alteration remains unclear.